The following is an entry in ClinVar:

ClinVar aggregate classification (somatic clinical impact): Tier I - Strong (1 of 4 stars; one submission).

Conditions:
Diffuse midline glioma, H3 K27M-mutant. Identifiers: MedGen C4289688, MONDO:0957196.

Submission:

Institute for Genomic Medicine (IGM) Clinical Laboratory, Nationwide Children's Hospital
Classification: Tier I - Strong for Diffuse midline glioma, H3 K27M-mutant. Assertion type: diagnostic. Clinical significance: supports diagnosis. Last evaluated: 2025-01-27. Review status: criteria provided, single submitter. Criteria: AMP/ASCO/CAP Guidelines, 2017. Collection method: clinical testing. Allele origin: somatic. Affected: yes.
Comment: Variant has Tier I (strong) clinical significance as a diagnostic inclusion criterion in diffuse midline glioma, H3 K27M-mutant, based on the following evidence: 1) Documented in one or more cancer databases (e.g., St. Jude Pecan, COSMIC, CIViC, OncoKB). 2) Appears in one or more well-established professional guidelines (e.g., World Health Organization [WHO]; National Comprehensive Cancer Network [NCCN]) as providing diagnostic, prognostic, or therapeutic information. 3) Information in the literature supports potential biologic effect of variant (PMIDs: 20713702, 19962665). 4) Diagnostic for a specific tumor type/classification based on well-powered studies with expert-level consensus (Evidence Level B; PMIDs: 27048880, 28966033, 29967352, 31348837, 32555164, 32680567).

Literature cited by the submitters: PubMed 20713702; PubMed 19962665; PubMed 27048880; PubMed 28966033; PubMed 29967352; PubMed 31348837; PubMed 32555164; PubMed 32680567.

NM_181523.3(PIK3R1):c.1333_1392dup (p.Asp464_Arg465insValGlyLysLysLeuHisGluTyrAsnThrGlnPheGlnGluLysSerArgGluTyrAsp)

Gene: PIK3R1 (phosphoinositide-3-kinase regulatory subunit 1; plus strand). Cytogenetic location: 5q13.1.
Variant type: Duplication.
Coding change: c.1333_1392dup on transcript NM_181523.3 (MANE Select); coding-DNA positions 1333 to 1392, 60 bases duplicated.
Protein change: p.Asp464_Arg465insValGlyLysLysLeuHisGluTyrAsnThrGlnPheGlnGluLysSerArgGluTyrAsp.
Genome position (GRCh38, 1-based): chr5:68,293,742-68,293,801, 60 bases duplicated. GRCh37 (hg19): chr5:67,589,570-67,589,629.
Other names: c.244_303dup, p.Asp101_Arg102insValGlyLysLysLeuHisGluTyrAsnThrGlnPheGlnGluLysSerArgGluTyrAsp (NM_001242466.2); c.523_582dup, p.Asp194_Arg195insValGlyLysLysLeuHisGluTyrAsnThrGlnPheGlnGluLysSerArgGluTyrAsp (NM_181504.4); c.433_492dup, p.Asp164_Arg165insValGlyLysLysLeuHisGluTyrAsnThrGlnPheGlnGluLysSerArgGluTyrAsp (NM_181524.2).
Identifiers: ClinVar variation 4530389 (VCV004530389.1).